The following is an entry in ClinVar:

NM_198586.3(NHLRC1):c.10G>A (p.Glu4Lys)

Gene: NHLRC1 (NHL repeat containing E3 ubiquitin protein ligase 1; minus strand). Cytogenetic location: 6p22.3.
Variant type: single nucleotide variant.
Coding change: c.10G>A on transcript NM_198586.3 (MANE Select); coding-DNA position 10, G replaced by A.
Protein change: p.Glu4Lys; replaces glutamic acid 4 with lysine.
Molecular consequence: missense variant.
Genome position (GRCh38, 1-based): chr6:18,122,597, C>T on the plus strand (G>A on the coding strand, the complement: NHLRC1 is on the minus strand). VCF-style: chr6-18122597-C-T. GRCh37 (hg19) VCF-style: chr6-18122828-C-T.
Other names: short protein forms E4K.
Identifiers: ClinVar variation 1998624 (VCV001998624.4), dbSNP rs753367864, ClinGen allele CA3650060.
Genomic context (GRCh38, chr6:18,122,597, plus strand): 5'-GCAGGCTGATCTCCGCCTCGCGCATGAGCTCATGCAGCGCTGGCCCGCTCTCCGAGGCTT[C>T]GGCCGCCATGGCGCGTCCTGTGCACTCCCGCCGCGCCGCCTGGCCGTGCCCCAGCGACGC-3'
Protein context (NP_940988.2, residues 1-14): MAA[Glu4Lys]ASESGPALHE

ClinVar aggregate classification (germline): Uncertain significance (1 of 4 stars; one submission).

Conditions:
Lafora disease. Also called: Epilepsy progressive myoclonic 2; Progressive Myoclonus Epilepsy, Lafora Type. Identifiers: Orphanet 501, MedGen C0751783, MONDO:0009697.

Allele frequency attached by ClinVar (database versions not stated): gnomAD exomes 0.00001; ExAC 0.00002.
gnomAD v4.1: 4 of 1,593,306 alleles (0.00025%); highest among the groups gnomAD compares: Non-Finnish European, 0.00034%; no homozygotes.

Submission:

Labcorp Genetics (formerly Invitae), Labcorp
Classification: Uncertain significance for Lafora disease. Last evaluated: 2022-05-25. Review status: criteria provided, single submitter. Criteria: Invitae Variant Classification Sherloc (09022015). Collection method: clinical testing. Allele origin: germline.
Comment: In summary, the available evidence is currently insufficient to determine the role of this variant in disease. Therefore, it has been classified as a Variant of Uncertain Significance. Algorithms developed to predict the effect of missense changes on protein structure and function (SIFT, PolyPhen-2, Align-GVGD) all suggest that this variant is likely to be tolerated. This variant has not been reported in the literature in individuals affected with NHLRC1-related conditions. This variant is present in population databases (rs753367864, gnomAD 0.002%). This sequence change replaces glutamic acid, which is acidic and polar, with lysine, which is basic and polar, at codon 4 of the NHLRC1 protein (p.Glu4Lys).